The following is an entry in ClinVar:

ClinVar aggregate classification (germline): Uncertain significance (1 of 4 stars; one submission).

Allele frequency attached by ClinVar (database versions not stated): gnomAD exomes 0.00001; ExAC 0.00002.
gnomAD v4.1: 10 of 1,614,196 alleles (0.00062%); highest among the groups gnomAD compares: Admixed American, 0.0033%; no homozygotes.

Submission:

Labcorp Genetics (formerly Invitae), Labcorp
Classification: Uncertain significance. Last evaluated: 2021-08-28. Review status: criteria provided, single submitter. Criteria: Invitae Variant Classification Sherloc (09022015). Collection method: clinical testing. Allele origin: germline.
Comment: This sequence change replaces methionine with leucine at codon 327 of the CLCC1 protein (p.Met327Leu). The methionine residue is moderately conserved and there is a small physicochemical difference between methionine and leucine. This variant is present in population databases (rs751417301, ExAC 0.009%). This variant has not been reported in the literature in individuals affected with CLCC1-related conditions. Algorithms developed to predict the effect of missense changes on protein structure and function are either unavailable or do not agree on the potential impact of this missense change (SIFT: "Tolerated"; PolyPhen-2: "Possibly Damaging"; Align-GVGD: "Class C0"). In summary, the available evidence is currently insufficient to determine the role of this variant in disease. Therefore, it has been classified as a Variant of Uncertain Significance.

NM_001377458.1(CLCC1):c.979A>T (p.Met327Leu)

Gene: CLCC1 (chloride channel CLIC like 1; minus strand). Cytogenetic location: 1p13.3.
Variant type: single nucleotide variant.
Coding change: c.979A>T on transcript NM_001377458.1 (MANE Select); coding-DNA position 979, A replaced by T.
Protein change: p.Met327Leu; replaces methionine 327 with leucine.
Molecular consequence: missense variant. On other transcripts: non-coding transcript variant (1).
Genome position (GRCh38, 1-based): chr1:108,939,698, T>A on the plus strand (A>T on the coding strand, the complement: CLCC1 is on the minus strand). VCF-style: chr1-108939698-T-A. GRCh37 (hg19) VCF-style: chr1-109482320-T-A.
Other names: c.979A>T, p.Met327Leu (NM_001048210.3, NM_001377459.1, NM_001377460.1 and 8 more transcripts); c.616A>T, p.Met206Leu (NM_001278202.2); c.424A>T, p.Met142Leu (NM_001278203.1); c.877A>T, p.Met293Leu (NM_001377469.1); c.688A>T, p.Met230Leu (NM_001377470.1); c.829A>T, p.Met277Leu (NM_015127.5); short protein forms M142L, M230L, M277L, M327L, M206L, M293L.
Identifiers: ClinVar variation 1445858 (VCV001445858.5), dbSNP rs751417301, ClinGen allele CA983446.